The following is an entry in ClinVar:

ClinVar aggregate classification (germline): Conflicting classifications of pathogenicity. Review status: criteria provided, conflicting classifications (1 of 4 stars). 2 submissions from 2 submitters: Uncertain significance (1); Likely benign (1). Last evaluated 2024-10-27.

Conditions:
Familial thoracic aortic aneurysm and aortic dissection (TAAD). Also called: Thoracic aortic aneurysms and dissections. Identifiers: Orphanet 91387, MedGen C4707243, MONDO:0019625.
FG syndrome (FGS). Identifiers: MedGen C0220769, MONDO:0002010.

Allele frequency attached by ClinVar (database versions not stated): TOPMed below 0.00001; ExAC 0.00001; gnomAD exomes 0.00001 and 0.00002.
gnomAD v4.1: 23 of 1,211,483 alleles (0.0019%); highest among the groups gnomAD compares: Non-Finnish European, 0.0025%; no homozygotes.

Submissions (2):

Labcorp Genetics (formerly Invitae), Labcorp
Classification: Likely benign for FG syndrome. Last evaluated: 2024-10-27. Review status: criteria provided, single submitter. Criteria: Invitae Variant Classification Sherloc (09022015). Collection method: clinical testing. Allele origin: germline.

Ambry Genetics
Classification: Uncertain significance for Familial thoracic aortic aneurysm and aortic dissection. Last evaluated: 2021-02-11. Review status: criteria provided, single submitter. Criteria: Ambry Variant Classification Scheme 2023. Collection method: clinical testing. Allele origin: germline.
Comment: The p.A291E variant (also known as c.872C>A), located in coding exon 7 of the MED12 gene, results from a C to A substitution at nucleotide position 872. The alanine at codon 291 is replaced by glutamic acid, an amino acid with dissimilar properties. Based on data from gnomAD, the A allele has an overall frequency of 0.001% (2/180167) total alleles studied, with 0 hemizygotes observed. The highest observed frequency was 0.002% (2/80340) of non-Finnish European alleles. This amino acid position is highly conserved in available vertebrate species. In addition, the in silico prediction for this alteration is inconclusive. Since supporting evidence is limited at this time, the clinical significance of this alteration remains unclear.

NM_005120.3(MED12):c.872C>A (p.Ala291Glu)

Gene: MED12 (mediator complex subunit 12; plus strand). Cytogenetic location: Xq13.1.
Variant type: single nucleotide variant.
Coding change: c.872C>A on transcript NM_005120.3 (MANE Select); coding-DNA position 872, C replaced by A.
Protein change: p.Ala291Glu; replaces alanine 291 with glutamic acid.
Molecular consequence: missense variant.
Genome position (GRCh38, 1-based): chrX:71,121,587, C>A. VCF-style: chrX-71121587-C-A. GRCh37 (hg19) VCF-style: chrX-70341437-C-A.
Other names: short protein forms A291E.
Identifiers: ClinVar variation 519913 (VCV000519913.10), dbSNP rs754533515, ClinGen allele CA10444098.